The following is an entry in ClinVar:

ClinVar aggregate classification (germline): Pathogenic (1 of 4 stars; one submission).

Conditions:
Autosomal recessive nonsyndromic hearing loss 12. Also called: DEAFNESS, AUTOSOMAL RECESSIVE 12. Identifiers: Orphanet 90636, MedGen C1832394, MONDO:0011067, OMIM 601386.

Submission:

Institute of Rare Diseases, West China Hospital, Sichuan University
Classification: Pathogenic for Autosomal recessive nonsyndromic hearing loss 12. Last evaluated: 2025-01-09. Review status: criteria provided, single submitter. Criteria: ClinGen HL ACMG Specifications v1. Collection method: research. Allele origin: germline. Affected: yes.
Comment: PVS1;PM3;PM2_Supporting

NM_022124.6(CDH23):c.7225-1G>T

Gene: CDH23 (cadherin related 23; plus strand). Cytogenetic location: 10q22.1.
Variant type: single nucleotide variant.
Coding change: c.7225-1G>T on transcript NM_022124.6 (MANE Select); the canonical splice acceptor site of the intron before coding-DNA position 7225, G replaced by T.
Molecular consequence: splice acceptor variant.
Genome position (GRCh38, 1-based): chr10:71,799,491, G>T. VCF-style: chr10-71799491-G-T. GRCh37 (hg19) VCF-style: chr10-73559248-G-T.
Other names: c.505-1G>T (NM_001171933.1, NM_001171934.1).
Identifiers: ClinVar variation 3601593 (VCV003601593.1).